The following is an entry in ClinVar:

ClinVar aggregate classification (germline): Pathogenic (1 of 4 stars; one submission).

Conditions:
Autosomal recessive juvenile Parkinson disease 2. Also called: Parkinson disease autosomal recessive, early onset; Juvenile parkinsonism; Parkinsonism, early onset, with diurnal fluctuation; PRKN-Related Early-Onset Parkinson Disease; PARKINSON DISEASE, JUVENILE, AUTOSOMAL RECESSIVE; Parkinson disease, juvenile, type 2. Identifiers: Orphanet 2828, MedGen C1868675, MONDO:0010820, OMIM 600116.

Submission:

Labcorp Genetics (formerly Invitae), Labcorp
Classification: Pathogenic for Autosomal recessive juvenile Parkinson disease 2. Last evaluated: 2016-11-12. Review status: criteria provided, single submitter. Criteria: Invitae Variant Classification Sherloc (09022015). Collection method: clinical testing. Allele origin: germline.
Comment: This variant is a gross deletion of the genomic region encompassing exons 2-4 of the PARK2 gene. This creates a premature translational stop signal and is expected to result in an absent or disrupted protein product. Loss-of-function variants in PARK2 are known to be pathogenic. This particular variant has been reported in the literature (PMID: 23880019). For these reasons, this variant has been classified as Pathogenic.

NC_000006.12:g.(?_162201131)_(162443473_?)del

Genes: LNCR-SMAL (lncRNA senescence and mitophagy associated regulator of PRKN; plus strand), PRKN (parkin RBR E3 ubiquitin protein ligase; minus strand), LOC126859871 (MED14-independent group 3 enhancer GRCh37_chr6:162621359-162622558; plus strand). Cytogenetic location: 6q26.
Variant type: Deletion.
Identifiers: ClinVar variation 417459 (VCV000417459.1).